The following is an entry in ClinVar:

ClinVar aggregate classification (germline): Uncertain significance (1 of 4 stars; one submission).

Conditions:
Familial acute necrotizing encephalopathy (IIAE3). Also called: ENCEPHALOPATHY, ACUTE, INFECTION-INDUCED, SUSCEPTIBILITY TO, 3; Susceptibility to Acute Necrotizing Encephalopathy 1. Identifiers: Orphanet 88619, MedGen C2675556, MONDO:0011953, OMIM 608033.

Submission:

Labcorp Genetics (formerly Invitae), Labcorp
Classification: Uncertain significance for Familial acute necrotizing encephalopathy. Last evaluated: 2021-03-27. Review status: criteria provided, single submitter. Criteria: Invitae Variant Classification Sherloc (09022015). Collection method: clinical testing. Allele origin: germline.
Comment: This sequence change replaces glycine with arginine at codon 600 of the RANBP2 protein (p.Gly600Arg). The glycine residue is highly conserved and there is a moderate physicochemical difference between glycine and arginine. This variant is not present in population databases (ExAC no frequency). This variant has not been reported in the literature in individuals with RANBP2-related conditions. Algorithms developed to predict the effect of missense changes on protein structure and function are either unavailable or do not agree on the potential impact of this missense change (SIFT: "Deleterious"; PolyPhen-2: "Benign"; Align-GVGD: "Class C65"). In summary, the available evidence is currently insufficient to determine the role of this variant in disease. Therefore, it has been classified as a Variant of Uncertain Significance.

NM_006267.5(RANBP2):c.1798G>A (p.Gly600Arg)

Gene: RANBP2 (RAN binding protein 2; plus strand). Cytogenetic location: 2q13.
Variant type: single nucleotide variant.
Coding change: c.1798G>A on transcript NM_006267.5 (MANE Select); coding-DNA position 1798, G replaced by A.
Protein change: p.Gly600Arg; replaces glycine 600 with arginine.
Molecular consequence: missense variant.
Genome position (GRCh38, 1-based): chr2:108,753,040, G>A. VCF-style: chr2-108753040-G-A. GRCh37 (hg19) VCF-style: chr2-109369496-G-A.
Other names: short protein forms G600R.
Identifiers: ClinVar variation 1417508 (VCV001417508.9), dbSNP rs2149230160, ClinGen allele CA348051328.
Genomic context (GRCh38, chr2:108,753,040, plus strand): 5'-TTTAACTTTCTTTTTTAGGGCAGCGGTCTTAATTCTTTTTATGATCAACGAGAATACATA[G>A]GGAGAAGTGTTCATTATTGGAAGAAAGTTTTGCCATTGTTGAAGATAATAAAAAAGAAGA-3'
Protein context (NP_006258.3, residues 590-610): NSFYDQREYI[Gly600Arg]RSVHYWKKVL